The following is an entry in ClinVar:

ClinVar aggregate classification (germline): Uncertain significance (1 of 4 stars; one submission).

Conditions:
ZNF292-related disorder. Also called: ZNF292-related condition.

Allele frequency attached by ClinVar (database versions not stated): gnomAD exomes below 0.00001.
gnomAD v4.1: 3 of 1,613,504 alleles (0.00019%); highest among the groups gnomAD compares: Middle Eastern, 0.017%; no homozygotes.

Submission:

PreventionGenetics, part of Exact Sciences
Classification: Uncertain significance for ZNF292-related condition. Last evaluated: 2023-04-17. Review status: criteria provided, single submitter. Criteria: ACMG Guidelines, 2015. Collection method: clinical testing. Allele origin: germline.
Comment: The ZNF292 c.5418A>T variant is predicted to result in the amino acid substitution p.Leu1806Phe. To our knowledge, this variant has not been reported in the literature or in a large population database, indicating this variant is rare. At this time, the clinical significance of this variant is uncertain due to the absence of conclusive functional and genetic evidence.

NM_015021.3(ZNF292):c.5418A>T (p.Leu1806Phe)

Gene: ZNF292 (zinc finger protein 292; plus strand). Cytogenetic location: 6q14.3.
Variant type: single nucleotide variant.
Coding change: c.5418A>T on transcript NM_015021.3 (MANE Select); coding-DNA position 5418, A replaced by T.
Protein change: p.Leu1806Phe; replaces leucine 1806 with phenylalanine.
Molecular consequence: missense variant.
Genome position (GRCh38, 1-based): chr6:87,259,047, A>T. VCF-style: chr6-87259047-A-T. GRCh37 (hg19) VCF-style: chr6-87968765-A-T.
Other names: c.4998A>T, p.Leu1666Phe (NM_001351444.2); short protein forms L1666F, L1806F.
Identifiers: ClinVar variation 2628444 (VCV002628444.1), dbSNP rs1775406684, ClinGen allele CA364932381.